The following is an entry in ClinVar:

ClinVar aggregate classification (germline): Pathogenic/Likely pathogenic. Review status: criteria provided, multiple submitters, no conflicts (2 of 4 stars). 5 submissions from 5 submitters: Pathogenic (4); Likely pathogenic (1). Last evaluated 2025-10-05.

Conditions:
Rhabdoid tumor predisposition syndrome 2 (RTPS2). Identifiers: Orphanet 231108, Orphanet 69077, MedGen C2750074, MONDO:0013224, OMIM 613325.
Anophthalmia-microphthalmia syndrome. Also called: Anophthalmia/Microphthalmia; Anophthalmia - microphthalmia. Identifiers: Orphanet 98555, MedGen C5680330, MONDO:0020147.

Submissions (5):

Genetics Department, University Hospital of Toulouse
Classification: Pathogenic for Anophthalmia-microphthalmia syndrome. Last evaluated: 2025-10-05. Review status: criteria provided, single submitter. Criteria: ACMG Guidelines, 2015. Collection method: clinical testing. Allele origin: de novo. Affected: yes.
Comment: The variant NM_003072.5:c.1757_1760del is a frameshift variant in SMARCA4. Individual described in PMID:41568967. It was classified as P (PVS1, PS2, PM2, PP5).

Labcorp Genetics (formerly Invitae), Labcorp
Classification: Pathogenic for Rhabdoid tumor predisposition syndrome 2. Last evaluated: 2023-12-11. Review status: criteria provided, single submitter. Criteria: Invitae Variant Classification Sherloc (09022015). Collection method: clinical testing. Allele origin: germline.
Comment: This sequence change creates a premature translational stop signal (p.Lys586Argfs*26) in the SMARCA4 gene. It is expected to result in an absent or disrupted protein product. Loss-of-function variants in SMARCA4 are known to be pathogenic (PMID: 24658001, 24658002). This variant is present in population databases (no rsID available, gnomAD 0.0009%). This variant has not been reported in the literature in individuals affected with SMARCA4-related conditions. ClinVar contains an entry for this variant (Variation ID: 545889). For these reasons, this variant has been classified as Pathogenic.

GeneDx
Classification: Pathogenic. Last evaluated: 2023-05-26. Review status: criteria provided, single submitter. Criteria: GeneDx Variant Classification Process June 2021. Collection method: clinical testing. Allele origin: germline. Affected: yes.
Comment: Frameshift variant predicted to result in protein truncation or nonsense mediated decay in a gene for which loss-of-function is a known mechanism of disease; This variant is associated with the following publications: (PMID: 28873162, 24658001, 24658002, 31954538, 34308366)

St. Jude Molecular Pathology, St. Jude Children's Research Hospital
Classification: Pathogenic for Rhabdoid tumor predisposition syndrome 2. Last evaluated: 2023-04-20. Review status: criteria provided, single submitter. Criteria: St. Jude Assertion Criteria 2020. Collection method: clinical testing. Allele origin: germline.
Comment: The SMARCA4 c.1757_1760del (p.Lys586ArgfsTer26) change deletes four nucleotides to cause a frameshift and the creation of a premature stop codon. This change is predicted to cause protein truncation or absence of protein due to nonsense-mediated decay. This variant has a maximum subpopulation frequency of 0.0009% in gnomAD v2.1.1. In summary, this variant meets criteria to be classified as pathogenic.

Department of Pediatrics, Memorial Sloan Kettering Cancer Center
Classification: Likely pathogenic for Rhabdoid tumor predisposition syndrome 2. Last evaluated: 2020-12-15. Review status: criteria provided, single submitter. Criteria: ACMG Guidelines, 2015. Collection method: research. Allele origin: germline. Affected: yes.

Literature cited by the submitters: PubMed 41568967 (cited by Genetics Department, University Hospital of Toulouse); PubMed 24658001 (cited by Labcorp Genetics (formerly Invitae), Labcorp); PubMed 24658002 (cited by Labcorp Genetics (formerly Invitae), Labcorp); PubMed 28873162 (cited by Department of Pediatrics, Memorial Sloan Kettering Cancer Center).

NM_003072.5(SMARCA4):c.1757_1760del (p.Lys586fs)

Gene: SMARCA4 (SWI/SNF related BAF chromatin remodeling complex subunit ATPase 4; plus strand). Cytogenetic location: 19p13.2.
Variant type: Deletion.
Coding change: c.1757_1760del on transcript NM_003072.5 (MANE Select); coding-DNA positions 1757 to 1760, 4 bases deleted (AGAA; older notation c.1757_1760delAGAA).
Protein change: p.Lys586fs; shifts the reading frame from lysine 586.
Molecular consequence: frameshift variant. On other transcripts: non-coding transcript variant (1).
Genome position (GRCh38, 1-based): chr19:10,996,376-10,996,379, AGAA deleted; deleting any 4 consecutive bases within chr19:10,996,374-10,996,379 gives the same sequence; the c. name uses the placement nearest the transcript's 3' end. VCF-style (leftmost placement, unchanged base first): chr19-10996373-AAAAG-A. GRCh37 (hg19) VCF-style: chr19-11107049-AAAAG-A.
Other names: c.1757_1760delAGAA (NM_001128849.1, NM_003072.4); c.1757_1760del, p.Lys586fs (NM_001128844.3, NM_001128845.2, NM_001128846.2 and 5 more transcripts); c.1757_1760del (NM_001128849.2); short protein forms K586fs.
Identifiers: ClinVar variation 545889 (VCV000545889.12), dbSNP rs1342399494, ClinGen allele CA632115128.
Genomic context (GRCh38, chr19:10,996,373, plus strand): 5'-CGGAGCTGGTGCGGCAGCACAAGGCTGCCCAGGTCGCCAAGGAGAAAAAGAAGAAAAAGA[AAAAG>A]AAGGTGTGCTGGGCCTGGCATGGTGCCCGCCGCGGGTGGGATGGGAGCAGCCGTCTTCAC-3'